The following is an entry in ClinVar:

NM_017760.7(NCAPG2):c.1444A>G (p.Met482Val)

Gene: NCAPG2 (non-SMC condensin II complex subunit G2; minus strand). Cytogenetic location: 7q36.3.
Variant type: single nucleotide variant.
Coding change: c.1444A>G on transcript NM_017760.7 (MANE Select); coding-DNA position 1444, A replaced by G.
Protein change: p.Met482Val; replaces methionine 482 with valine.
Molecular consequence: missense variant. On other transcripts: non-coding transcript variant (1).
Genome position (GRCh38, 1-based): chr7:158,671,549, T>C on the plus strand (A>G on the coding strand, the complement: NCAPG2 is on the minus strand). VCF-style: chr7-158671549-T-C. GRCh37 (hg19) VCF-style: chr7-158464241-T-C.
Other names: c.1444A>G, p.Met482Val (NM_001281932.2, NM_001281933.2); short protein forms M482V.
Identifiers: ClinVar variation 3353377 (VCV003353377.1).

ClinVar aggregate classification (germline): Uncertain significance (0 of 4 stars; one submission).

Conditions:
NCAPG2-related disorder. Also called: NCAPG2-related condition.

gnomAD v4.1: 2 of 1,614,238 alleles (0.00012%); highest among the groups gnomAD compares: Non-Finnish European, 0.00017%; no homozygotes.

Submission:

PreventionGenetics, part of Exact Sciences
Classification: Uncertain significance for NCAPG2-related condition. Last evaluated: 2024-09-17. Review status: no assertion criteria provided. Collection method: clinical testing. Allele origin: germline.
Comment: The NCAPG2 c.1444A>G variant is predicted to result in the amino acid substitution p.Met482Val. To our knowledge, this variant has not been reported in the literature or in a large population database, indicating this variant is rare. At this time, the clinical significance of this variant is uncertain due to the absence of conclusive functional and genetic evidence.